The following is an entry in ClinVar:

ClinVar aggregate classification (germline): Uncertain significance. Review status: criteria provided, multiple submitters, no conflicts (2 of 4 stars). 3 submissions from 3 submitters: Uncertain significance (3). Last evaluated 2025-12-24.

Conditions:
Alagille syndrome due to a NOTCH2 point mutation. Also called: Alagille syndrome 2. Identifiers: Orphanet 261629, Orphanet 52, MedGen C1857761, MONDO:0012439, OMIM 610205.
Hajdu-Cheney syndrome (HJCYS). Also called: SERPENTINE FIBULA-POLYCYSTIC KIDNEY SYNDROME; Acroosteolysis dominant type; ACROOSTEOLYSIS WITH OSTEOPOROSIS AND CHANGES IN SKULL AND MANDIBLE. Identifiers: Orphanet 955, MedGen C0917715, MONDO:0007057, OMIM 102500.

Allele frequency attached by ClinVar (database versions not stated): gnomAD exomes 0.00006 and 0.00008; TOPMed 0.00003; ESP Exome Variant Server 0.00008; gnomAD 0.00003; ExAC 0.00009.
gnomAD v4.1: 127 of 1,613,988 alleles (0.0079%); highest among the groups gnomAD compares: Non-Finnish European, 0.01%; no homozygotes.

Submissions (3):

Labcorp Genetics (formerly Invitae), Labcorp
Classification: Uncertain significance for Hajdu-Cheney syndrome. Last evaluated: 2025-12-24. Review status: criteria provided, single submitter. Criteria: Invitae Variant Classification Sherloc (09022015). Collection method: clinical testing. Allele origin: germline.
Comment: This sequence change replaces serine, which is neutral and polar, with glycine, which is neutral and non-polar, at codon 1144 of the NOTCH2 protein (p.Ser1144Gly). This variant is present in population databases (rs143866883, gnomAD 0.01%). This variant has not been reported in the literature in individuals affected with NOTCH2-related conditions. ClinVar contains an entry for this variant (Variation ID: 1488275). Invitae Evidence Modeling of protein sequence and biophysical properties (such as structural, functional, and spatial information, amino acid conservation, physicochemical variation, residue mobility, and thermodynamic stability) has been performed for this missense variant. However, the output from this modeling did not meet the statistical confidence thresholds required to predict the impact of this variant on NOTCH2 protein function. In summary, the available evidence is currently insufficient to determine the role of this variant in disease. Therefore, it has been classified as a Variant of Uncertain Significance.

Mayo Clinic Laboratories, Mayo Clinic
Classification: Uncertain significance. Last evaluated: 2025-09-26. Review status: criteria provided, single submitter. Criteria: ACMG Guidelines, 2015. Collection method: clinical testing. Allele origin: germline. Observed: 1 variant allele.
Comment: PP2

Fulgent Genetics
Classification: Uncertain significance for Hajdu-Cheney syndrome; Alagille syndrome due to a NOTCH2 point mutation. Last evaluated: 2021-10-21. Review status: criteria provided, single submitter. Criteria: ACMG Guidelines, 2015. Collection method: clinical testing. Allele origin: unknown.

NM_024408.4(NOTCH2):c.3430A>G (p.Ser1144Gly)

Gene: NOTCH2 (notch receptor 2; minus strand). Cytogenetic location: 1p12.
Variant type: single nucleotide variant.
Coding change: c.3430A>G on transcript NM_024408.4 (MANE Select); coding-DNA position 3430, A replaced by G.
Protein change: p.Ser1144Gly; replaces serine 1144 with glycine.
Molecular consequence: missense variant.
Genome position (GRCh38, 1-based): chr1:119,937,374, T>C on the plus strand (A>G on the coding strand, the complement: NOTCH2 is on the minus strand). VCF-style: chr1-119937374-T-C. GRCh37 (hg19) VCF-style: chr1-120479997-T-C.
Other names: p.Ser1144Gly; c.3430A>G, p.Ser1144Gly (NM_001200001.2); short protein forms S1144G.
Identifiers: ClinVar variation 1488275 (VCV001488275.8), dbSNP rs143866883, ClinGen allele CA1040069.